The following is an entry in ClinVar:

ClinVar aggregate classification (germline): Pathogenic (1 of 4 stars; one submission).

Conditions:
CHARGE syndrome (CHARGE). Also called: Hittner Hirsch Kreh syndrome; CHARGE ASSOCIATION--COLOBOMA, HEART ANOMALY, CHOANAL ATRESIA, RETARDATION, GENITAL AND EAR ANOMALIES; Coloboma, heart anomaly, choanal atresia, retardation, genital and ear anomalies; CHARGE association; Hall-Hittner syndrome. Identifiers: Orphanet 138, MedGen C0265354, MONDO:0008965.

Submission:

Labcorp Genetics (formerly Invitae), Labcorp
Classification: Pathogenic for CHARGE syndrome. Last evaluated: 2017-05-31. Review status: criteria provided, single submitter. Criteria: Invitae Variant Classification Sherloc (09022015). Collection method: clinical testing. Allele origin: germline.
Comment: This sequence change deletes 1 nucleotide from exon 37 of the CHD7 mRNA (c.8067delT), causing a frameshift at codon 2690. This creates a premature translational stop signal in the last exon of the CHD7 mRNA (p.Lys2690Serfs*19). While this is not anticipated to result in nonsense mediated decay, it is expected to delete the last 289 amino acids of the CHD7 protein. This variant is not present in population databases (ExAC no frequency) and has not been reported in the literature in individuals with a CHD7-related disease. A truncation downstream of this variant ( c.8803G>T, p.Glu2935*) has been determined to be pathogenic (PMID: 19021638). This suggests that deletion of this region of the CHD7 protein is causative of disease. For these reasons, this variant has been classified as Pathogenic.

Literature cited by the submitters: PubMed 19021638.

NM_017780.4(CHD7):c.8067del (p.Lys2690fs)

Gene: CHD7 (chromodomain helicase DNA binding protein 7; plus strand). Cytogenetic location: 8q12.2.
Variant type: Deletion.
Coding change: c.8067del on transcript NM_017780.4 (MANE Select); coding-DNA position 8067, one base deleted (T; older notation c.8067delT).
Protein change: p.Lys2690fs; shifts the reading frame from lysine 2690.
Molecular consequence: frameshift variant.
Genome position (GRCh38, 1-based): chr8:60,862,643, T deleted; the last of 2 consecutive T bases (chr8:60,862,642-60,862,643); deleting either gives the same sequence. VCF-style (leftmost placement, unchanged base first): chr8-60862641-GT-G. GRCh37 (hg19) VCF-style: chr8-61775200-GT-G.
Other names: c.1920del, p.Lys641fs (NM_001316690.1); short protein forms K641fs, K2690fs.
Identifiers: ClinVar variation 459565 (VCV000459565.8), dbSNP rs1554606375, ClinGen allele CA658657776.